The following is an entry in ClinVar:

NM_003995.4(NPR2):c.1436+1G>T

Gene: NPR2 (natriuretic peptide receptor 2; plus strand). Cytogenetic location: 9p13.3.
Variant type: single nucleotide variant.
Coding change: c.1436+1G>T on transcript NM_003995.4 (MANE Select); the canonical splice donor site of the intron after coding-DNA position 1436, G replaced by T.
Molecular consequence: splice donor variant.
Genome position (GRCh38, 1-based): chr9:35,801,155, G>T. VCF-style: chr9-35801155-G-T. GRCh37 (hg19) VCF-style: chr9-35801152-G-T.
Other names: c.1436+1G>T (NM_001378923.1).
Identifiers: ClinVar variation 3031365 (VCV003031365.5), dbSNP rs897171604, ClinGen allele CA192765820.
Genomic context (GRCh38, chr9:35,801,155, plus strand): 5'-GGCTCTGGGCACAGGAATCACCTTCATCATGTTTGGTGTTTCCAGCTTCCTAATTTTCCG[G>T]TGAGTTCTGGGTTTCTTGCTGACCTACTCCCTGCCCCCATTGCCACACAACCTCTGGCTG-3'

ClinVar aggregate classification (germline): Likely pathogenic. Review status: criteria provided, multiple submitters, no conflicts (2 of 4 stars). 4 submissions from 4 submitters: Likely pathogenic (3). 1 of the submissions does not count toward it. Last evaluated 2026-04-18.

Conditions:
Inborn genetic diseases. Identifiers: MedGen C0950123, MeSH D030342.
NPR2-related disorder. Also called: NPR2-related condition; NPR2-related disorders.

Allele frequency attached by ClinVar (database versions not stated): TOPMed 0.00001; gnomAD exomes below 0.00001; gnomAD 0.00001.
gnomAD v4.1: 4 of 1,612,062 alleles (0.00025%); highest among the groups gnomAD compares: Non-Finnish European, 0.00034%; no homozygotes.

Submissions (4):

GeneDx
Classification: Likely pathogenic. Last evaluated: 2026-04-18. Review status: criteria provided, single submitter. Criteria: GeneDx Variant Classification Process June 2021. Collection method: clinical testing. Allele origin: germline.
Comment: Canonical splice site variant predicted to result in a null allele in a gene for which loss of function is a known mechanism of disease; This variant is associated with the following publications: (PMID: 25525159, 15146390, 34627339)

Ambry Genetics
Classification: Likely pathogenic for Inborn genetic diseases. Last evaluated: 2024-12-06. Review status: criteria provided, single submitter. Criteria: Ambry Variant Classification Scheme 2023. Collection method: clinical testing. Allele origin: germline.
Comment: The c.1436+1G>T intronic variant results from a G to T substitution one nucleotide after coding exon 7 of the NPR2 gene. Alterations that disrupt the canonical splice site are expected to cause aberrant splicing, resulting in an abnormal protein or a transcript that is subject to nonsense-mediated mRNA decay. for autosomal dominant and autosomal recessive NPR2-related short stature disorder; however, its clinical significance for autosomal dominant NPR2-related tall stature, scoliosis, and macrodactyly of great toes is uncertain. Based on data from gnomAD, the T allele has an overall frequency of <0.001% (1/251414) total alleles studied. The highest observed frequency was 0.001% (1/113694) of European (non-Finnish) alleles. This variant has been identified in conjunction with other NPR2 variants in individuals with features consistent with NPR2-related short stature disorder (Bartels, 2004; Scocchia, 2021). This nucleotide position is highly conserved in available vertebrate species. In silico splice site analysis predicts that this alteration will weaken the native splice donor site. Based on the available evidence, this alteration is classified as likely pathogenic.

Blueprint Genetics
Classification: Likely pathogenic for NPR2-related disorders. Last evaluated: 2024-10-15. Review status: criteria provided, single submitter. Criteria: ACMG Guidelines, 2015. Collection method: clinical testing. Allele origin: germline. Affected: yes. Observed: 5 variant alleles.

PreventionGenetics, part of Exact Sciences
Classification: Pathogenic for NPR2-related condition. Last evaluated: 2024-05-05. Review status: no assertion criteria provided. Collection method: clinical testing. Allele origin: germline. Not counted in ClinVar's aggregate classification.
Comment: The NPR2 c.1436+1G>T variant is predicted to disrupt the GT donor site and interfere with normal splicing. This variant has been reported along with a second NPR2 variant in two individuals with acromesomelic dysplasia, Maroteaux type (Bartels et al. 2004. PubMed ID: 15146390; additional file 1, Scocchia et al. 2021. PubMed ID: 34627339). This variant is reported in 0.00088% of alleles in individuals of European (Non-Finnish) descent in gnomAD. Variants that disrupt the consensus splice donor site in NPR2 are expected to be pathogenic. This variant is interpreted as pathogenic.

Literature cited by the submitters: PubMed 15146390 (cited by Ambry Genetics); PubMed 34627339 (cited by Ambry Genetics).